The following is an entry in ClinVar:

NM_001015880.2(PAPSS2):c.914T>G (p.Leu305Arg)

Gene: PAPSS2 (3'-phosphoadenosine 5'-phosphosulfate synthase 2; plus strand). Cytogenetic location: 10q23.31.
Variant type: single nucleotide variant.
Coding change: c.914T>G on transcript NM_001015880.2 (MANE Select); coding-DNA position 914, T replaced by G.
Protein change: p.Leu305Arg; replaces leucine 305 with arginine.
Molecular consequence: missense variant.
Genome position (GRCh38, 1-based): chr10:87,727,317, T>G. VCF-style: chr10-87727317-T-G. GRCh37 (hg19) VCF-style: chr10-89487074-T-G.
Other names: c.899T>G, p.Leu300Arg (NM_004670.4); short protein forms L300R, L305R.
Identifiers: ClinVar variation 1464080 (VCV001464080.8), dbSNP rs2131720625, ClinGen allele CA377489343.

ClinVar aggregate classification (germline): Uncertain significance (1 of 4 stars; one submission).

Conditions:
Spondyloepimetaphyseal dysplasia, PAPSS2 type. Also called: BRACHYOLMIA TYPE 4 WITH MILD EPIPHYSEAL AND METAPHYSEAL CHANGES; SPONDYLODYSPLASIA AND PREMATURE PUBARCHE; SEMD, PAKISTANI TYPE. Identifiers: Orphanet 93282, MedGen C2748516, MONDO:0019666, OMIM 612847.

Submission:

Labcorp Genetics (formerly Invitae), Labcorp
Classification: Uncertain significance for Spondyloepimetaphyseal dysplasia, PAPSS2 type. Last evaluated: 2022-02-10. Review status: criteria provided, single submitter. Criteria: Invitae Variant Classification Sherloc (09022015). Collection method: clinical testing. Allele origin: germline.
Comment: This sequence change replaces leucine, which is neutral and non-polar, with arginine, which is basic and polar, at codon 305 of the PAPSS2 protein (p.Leu305Arg). This variant is not present in population databases (gnomAD no frequency). This variant has not been reported in the literature in individuals affected with PAPSS2-related conditions. Algorithms developed to predict the effect of missense changes on protein structure and function (SIFT, PolyPhen-2, Align-GVGD) all suggest that this variant is likely to be disruptive. In summary, the available evidence is currently insufficient to determine the role of this variant in disease. Therefore, it has been classified as a Variant of Uncertain Significance.